The following is an entry in ClinVar:

NM_001194998.2(CEP152):c.245A>T (p.Lys82Ile)

Gene: CEP152 (centrosomal protein 152; minus strand). Cytogenetic location: 15q21.1.
Variant type: single nucleotide variant.
Coding change: c.245A>T on transcript NM_001194998.2 (MANE Select); coding-DNA position 245, A replaced by T.
Protein change: p.Lys82Ile; replaces lysine 82 with isoleucine.
Molecular consequence: missense variant.
Genome position (GRCh38, 1-based): chr15:48,797,677, T>A on the plus strand (A>T on the coding strand, the complement: CEP152 is on the minus strand). VCF-style: chr15-48797677-T-A. GRCh37 (hg19) VCF-style: chr15-49089874-T-A.
Other names: c.245A>T, p.Lys82Ile (NM_014985.4); short protein forms K82I.
Identifiers: ClinVar variation 444343 (VCV000444343.45), dbSNP rs1178507750, ClinGen allele CA392358321.

ClinVar aggregate classification (germline): Uncertain significance. Review status: criteria provided, multiple submitters, no conflicts (2 of 4 stars). 2 submissions from 2 submitters: Uncertain significance (2). Last evaluated 2022-07-19.

Allele frequency attached by ClinVar (database versions not stated): TOPMed 0.00001; gnomAD 0.00001; gnomAD exomes 0.00001.
gnomAD v4.1: 13 of 1,614,002 alleles (0.00081%); highest among the groups gnomAD compares: Middle Eastern, 0.016%; no homozygotes.

Submissions (2):

Labcorp Genetics (formerly Invitae), Labcorp
Classification: Uncertain significance. Last evaluated: 2022-07-19. Review status: criteria provided, single submitter. Criteria: Invitae Variant Classification Sherloc (09022015). Collection method: clinical testing. Allele origin: germline.
Comment: This sequence change replaces lysine, which is basic and polar, with isoleucine, which is neutral and non-polar, at codon 82 of the CEP152 protein (p.Lys82Ile). This variant is present in population databases (no rsID available, gnomAD 0.006%). This variant has not been reported in the literature in individuals affected with CEP152-related conditions. ClinVar contains an entry for this variant (Variation ID: 444343). Algorithms developed to predict the effect of missense changes on protein structure and function are either unavailable or do not agree on the potential impact of this missense change (SIFT: "Deleterious"; PolyPhen-2: "Possibly Damaging"; Align-GVGD: "Class C15"). In summary, the available evidence is currently insufficient to determine the role of this variant in disease. Therefore, it has been classified as a Variant of Uncertain Significance.

CeGaT Center for Human Genetics Tuebingen
Classification: Uncertain significance. Last evaluated: 2017-06-01. Review status: criteria provided, single submitter. Criteria: CeGaT Center For Human Genetics Tuebingen Variant Classification Criteria Version 2. Collection method: clinical testing. Allele origin: germline. Affected: yes. Observed: 1 variant allele.